The following is an entry in ClinVar:

NM_002907.4(RECQL):c.8_11del (p.Ser3fs)

Gene: RECQL (RecQ like helicase; minus strand). Cytogenetic location: 12p12.1.
Variant type: Deletion.
Coding change: c.8_11del on transcript NM_002907.4 (MANE Select); coding-DNA positions 8 to 11, 4 bases deleted (CCGT; older notation c.8_11delCCGT).
Protein change: p.Ser3fs; shifts the reading frame from serine 3.
Molecular consequence: frameshift variant.
Genome position (GRCh38, 1-based): chr12:21,499,560-21,499,563, ACGG deleted on the plus strand (CCGT on the coding strand, the reverse complement: RECQL is on the minus strand); deleting any 4 consecutive bases within chr12:21,499,560-21,499,566 gives the same sequence; the c. name uses the placement nearest the transcript's 3' end. VCF-style (leftmost placement, unchanged base first): chr12-21499559-AACGG-A. GRCh37 (hg19) VCF-style: chr12-21652493-AACGG-A.
Other names: c.8_11del, p.Ser3fs (NM_032941.3); short protein forms S3fs.
Identifiers: ClinVar variation 1008144 (VCV001008144.7), dbSNP rs1943567745, ClinGen allele CA2021133072.

ClinVar aggregate classification (germline): Uncertain significance (1 of 4 stars; one submission).

Submission:

Labcorp Genetics (formerly Invitae), Labcorp
Classification: Uncertain significance. Last evaluated: 2020-06-10. Review status: criteria provided, single submitter. Criteria: Invitae Variant Classification Sherloc (09022015). Collection method: clinical testing. Allele origin: germline.
Comment: This sequence change creates a premature translational stop signal (p.Ser3Phefs*4) in the RECQL gene. It is expected to result in an absent or disrupted protein product. In summary, the available evidence is currently insufficient to determine the role of this variant in disease. Therefore, it has been classified as a Variant of Uncertain Significance. The current clinical and genetic evidence is not sufficient to establish whether loss-of-function variants in RECQL cause disease. This variant has not been reported in the literature in individuals with RECQL-related conditions. This variant is not present in population databases (ExAC no frequency).